The following is an entry in ClinVar:

NM_001734.5(C1S):c.479C>T (p.Pro160Leu)

Gene: C1S (complement C1s; plus strand). Cytogenetic location: 12p13.31.
Variant type: single nucleotide variant.
Coding change: c.479C>T on transcript NM_001734.5 (MANE Select); coding-DNA position 479, C replaced by T.
Protein change: p.Pro160Leu; replaces proline 160 with leucine.
Molecular consequence: missense variant. On other transcripts: 5 prime UTR variant (1).
Genome position (GRCh38, 1-based): chr12:7,064,354, C>T. VCF-style: chr12-7064354-C-T. GRCh37 (hg19) VCF-style: chr12-7171658-C-T.
Other names: c.-23C>T (NM_001346850.2); c.479C>T, p.Pro160Leu (NM_201442.4); short protein forms P160L.
Identifiers: ClinVar variation 1422066 (VCV001422066.35), dbSNP rs1400068569, ClinGen allele CA383692682.

ClinVar aggregate classification (germline): Uncertain significance. Review status: criteria provided, multiple submitters, no conflicts (2 of 4 stars). 2 submissions from 2 submitters: Uncertain significance (2). Last evaluated 2026-01-23.

Submissions (2):

Labcorp Genetics (formerly Invitae), Labcorp
Classification: Uncertain significance. Last evaluated: 2026-01-23. Review status: criteria provided, single submitter. Criteria: Invitae Variant Classification Sherloc (09022015). Collection method: clinical testing. Allele origin: germline.
Comment: This sequence change replaces proline, which is neutral and non-polar, with leucine, which is neutral and non-polar, at codon 160 of the C1S protein (p.Pro160Leu). This variant is present in population databases (no rsID available, gnomAD 0.004%). This variant has not been reported in the literature in individuals affected with C1S-related conditions. ClinVar contains an entry for this variant (Variation ID: 1422066). An algorithm developed to predict the effect of missense changes on protein structure and function (PolyPhen-2) suggests that this variant is likely to be tolerated. In summary, the available evidence is currently insufficient to determine the role of this variant in disease. Therefore, it has been classified as a Variant of Uncertain Significance.

CeGaT Center for Human Genetics Tuebingen
Classification: Uncertain significance. Last evaluated: 2022-09-01. Review status: criteria provided, single submitter. Criteria: CeGaT Center For Human Genetics Tuebingen Variant Classification Criteria Version 2. Collection method: clinical testing. Allele origin: germline. Affected: yes. Observed: 2 variant alleles.
Comment: C1S: PM2:Supporting